The following is an entry in ClinVar:

NM_003900.5(SQSTM1):c.1277C>T (p.Ala426Val)

Gene: SQSTM1 (sequestosome 1; plus strand). Cytogenetic location: 5q35.3.
Variant type: single nucleotide variant.
Coding change: c.1277C>T on transcript NM_003900.5 (MANE Select); coding-DNA position 1277, C replaced by T.
Protein change: p.Ala426Val; replaces alanine 426 with valine.
Molecular consequence: missense variant.
Genome position (GRCh38, 1-based): chr5:179,836,547, C>T. VCF-style: chr5-179836547-C-T. GRCh37 (hg19) VCF-style: chr5-179263547-C-T.
Other names: p.Ala426Val; c.1025C>T, p.Ala342Val (NM_001142298.2, NM_001142299.2); short protein forms A342V, A426V.
Identifiers: ClinVar variation 844068 (VCV000844068.19), dbSNP rs201239306, ClinGen allele CA3600876.

ClinVar aggregate classification (germline): Uncertain significance. Review status: criteria provided, multiple submitters, no conflicts (2 of 4 stars). 6 submissions from 6 submitters: Uncertain significance (6). Last evaluated 2026-09-18.

Conditions:
Frontotemporal dementia and/or amyotrophic lateral sclerosis 1 (FTDALS1). Also called: C9orf72 Frontotemporal Dementia and/or Amyotrophic Lateral Sclerosis; Frontotemporal dementia with motor neuron disease 1. Identifiers: Orphanet 275872, MedGen C5779877, MONDO:0007105, OMIM 105550.
Paget disease of bone 2, early-onset (PDB2). Also called: Paget disease of bone 2. Identifiers: MedGen C4085251, MONDO:0011183, OMIM 602080.
Paget disease of bone 3. Identifiers: MedGen C4085252, MONDO:0008176, OMIM 167250.
Frontotemporal dementia and/or amyotrophic lateral sclerosis 3. Also called: FTDALS3. Identifiers: Orphanet 275864, Orphanet 275872, Orphanet 803, MedGen C4225326, MONDO:0014640, OMIM 616437.
SQSTM1-related disorder. Also called: SQSTM1-Related Disorders.

Allele frequency attached by ClinVar (database versions not stated): gnomAD 0.00012 and 0.00013; gnomAD exomes 0.00012 and 0.00019; 1000 Genomes Project 0.00020; ExAC 0.00021; TOPMed 0.00026; 1000 Genomes Project 30x 0.00031.
gnomAD v4.1: 203 of 1,614,146 alleles (0.013%); highest among the groups gnomAD compares: South Asian, 0.041%; no homozygotes.

Submissions (6):

PreventionGenetics, part of Exact Sciences
Classification: Uncertain significance for SQSTM1-related condition. Last evaluated: 2026-09-18. Review status: criteria provided, single submitter. Criteria: ACMG Guidelines, 2015. Collection method: clinical testing. Allele origin: germline.
Comment: The SQSTM1 c.1277C>T variant is predicted to result in the amino acid substitution p.Ala426Val. This variant was reported in an individual(s) with amyotrophic lateral sclerosis (Cady et al. 2015. PubMed ID: 25382069; Leighton et al. 2022. PubMed ID: 36515702). This variant is reported in 0.069% of alleles in individuals of South Asian descent in gnomAD. At this time, the clinical significance of this variant is uncertain due to the absence of conclusive functional and genetic evidence.

GeneDx
Classification: Uncertain significance. Last evaluated: 2026-02-11. Review status: criteria provided, single submitter. Criteria: GeneDx Variant Classification Process June 2021. Collection method: clinical testing. Allele origin: germline.
Comment: Reported previously as a variant of uncertain significance in a patient who harbored multiple other variants of uncertain significance in other genes and who had features considered to be caused by a pathogenic variant in SPG7 (Olarewaju BA et al. (2025) ACRAMYOL. XLIV :138-142); In silico analysis supports that this missense variant has a deleterious effect on protein structure/function; This variant is associated with the following publications: (PMID: 24899140, 28166811, 25512523, 25382069, 23612225, 36515702, 32036052, Olarewaju2025[article])

Labcorp Genetics (formerly Invitae), Labcorp
Classification: Uncertain significance for Paget disease of bone 2, early-onset; Frontotemporal dementia and/or amyotrophic lateral sclerosis 1. Last evaluated: 2026-01-24. Review status: criteria provided, single submitter. Criteria: Invitae Variant Classification Sherloc (09022015). Collection method: clinical testing. Allele origin: germline.
Comment: This sequence change replaces alanine, which is neutral and non-polar, with valine, which is neutral and non-polar, at codon 426 of the SQSTM1 protein (p.Ala426Val). The frequency data for this variant in the population databases is considered unreliable, as metrics indicate poor data quality at this position in the gnomAD database. This missense change has been observed in individual(s) with amyotrophic lateral sclerosis or Paget disease of bone (PMID: 25382069, 32036052, 36515702). ClinVar contains an entry for this variant (Variation ID: 844068). Invitae Evidence Modeling of protein sequence and biophysical properties (such as structural, functional, and spatial information, amino acid conservation, physicochemical variation, residue mobility, and thermodynamic stability) indicates that this missense variant is not expected to disrupt SQSTM1 protein function with a negative predictive value of 80%. In summary, the available evidence is currently insufficient to determine the role of this variant in disease. Therefore, it has been classified as a Variant of Uncertain Significance.

Mayo Clinic Laboratories, Mayo Clinic
Classification: Uncertain significance. Last evaluated: 2023-09-28. Review status: criteria provided, single submitter. Criteria: ACMG Guidelines, 2015. Collection method: clinical testing. Allele origin: germline. Observed: 1 variant allele.

Molecular Genetics, Royal Melbourne Hospital
Classification: Uncertain significance for Frontotemporal dementia and/or amyotrophic lateral sclerosis 3. Last evaluated: 2022-03-03. Review status: criteria provided, single submitter. Criteria: ACMG Guidelines, 2015. Collection method: clinical testing. Allele origin: germline.
Comment: This sequence change in SQSTM1 is predicted to replace alanine with valine at codon 426, p.(Ala426Val). The alanine residue is highly conserved (100 vertebrates, UCSC), and is located in the UBA domain. There is a moderate physicochemical difference between alanine and valine. The highest population minor allele frequency in gnomAD v2.1 is 0.07% (21/30,616 alleles) in the South Asian population. This variant has been observed in at least 25 heterozygous individuals from the control cohort in gnomAD v2.1, for a dominant disorder with a later age of onset. This variant has been reported in at least one individual with sporadic amyotrophic lateral sclerosis and one individual with osteosarcoma (PMID: 25382069, 25512523). Multiple lines of computational evidence predict a deleterious effect for the missense substitution (5/6 algorithms). Based on the classification scheme RMH Modified ACMG Guidelines v1.5.1, this variant is classified as a VARIANT OF UNCERTAIN SIGNIFICANCE. Following criteria are met: PP3, BS2_Supporting.

Illumina Laboratory Services, Illumina
Classification: Uncertain significance for Paget disease of bone 3. Last evaluated: 2017-04-28. Review status: criteria provided, single submitter. Criteria: ICSL Variant Classification Criteria 13 December 2019. Collection method: clinical testing. Allele origin: germline.
Comment: This variant was observed as part of a predisposition screen in an ostensibly healthy population. A literature search was performed for the gene, cDNA change, and amino acid change (where applicable). Publications were found based on this search. However, the evidence from the literature, in combination with allele frequency data from public databases where available, was not sufficient to rule this variant in or out of causing disease. Therefore, this variant is classified as a variant of unknown significance.

Literature cited by the submitters: PubMed 25382069 (cited by 4 submitters); PubMed 32036052 (cited by Labcorp Genetics (formerly Invitae), Labcorp and Mayo Clinic Laboratories, Mayo Clinic); PubMed 36515702 (cited by Labcorp Genetics (formerly Invitae), Labcorp and Mayo Clinic Laboratories, Mayo Clinic); PubMed 24899140 (cited by Mayo Clinic Laboratories, Mayo Clinic and Illumina Laboratory Services, Illumina); PubMed 25512523 (cited by Molecular Genetics, Royal Melbourne Hospital and Illumina Laboratory Services, Illumina); PubMed 23612225 (cited by Illumina Laboratory Services, Illumina).